The following is an entry in ClinVar:

NM_000051.4(ATM):c.6632T>C (p.Leu2211Pro)

Genes: ATM (ATM serine/threonine kinase; plus strand), C11orf65 (chromosome 11 open reading frame 65; minus strand). Cytogenetic location: 11q22.3.
Variant type: single nucleotide variant.
Coding change: c.6632T>C on transcript NM_000051.4 (MANE Select); coding-DNA position 6632, T replaced by C.
Protein change: p.Leu2211Pro; replaces leucine 2211 with proline.
Molecular consequence: missense variant. On other transcripts: intron variant (2).
Genome position (GRCh38, 1-based): chr11:108,325,369, T>C. VCF-style: chr11-108325369-T-C. GRCh37 (hg19) VCF-style: chr11-108196096-T-C.
Other names: c.6632T>C, p.Leu2211Pro (NM_001351834.2); c.641-16298A>G (NM_001330368.2); c.*38+9851A>G (NM_001351110.2); short protein forms L2211P.
Identifiers: ClinVar variation 2125866 (VCV002125866.5), dbSNP rs2136309652, ClinGen allele CA382554777.
Genomic context (GRCh38, chr11:108,325,369, plus strand): 5'-GATCAGTCACACATAGACAACTCTCTGAAGTATATATTAAGTGGCAGAAACACTCCCAGC[T>C]TCTCAAGGACAGTGATTTTAGTTTTCAGGAGCCTATCATGGCTCTACGCACAGTCATTTT-3'
Protein context (NP_000042.3, residues 2201-2221): VYIKWQKHSQ[Leu2211Pro]LKDSDFSFQE

ClinVar aggregate classification (germline): Uncertain significance. Review status: criteria provided, multiple submitters, no conflicts (2 of 4 stars). 2 submissions from 2 submitters: Uncertain significance (2). Last evaluated 2026-07-08.

Conditions:
Hereditary cancer-predisposing syndrome. Also called: Tumor predisposition; Hereditary Cancer Syndrome; Hereditary neoplastic syndrome; Neoplastic Syndromes, Hereditary. Identifiers: Orphanet 140162, MedGen C0027672, MeSH D009386, MONDO:0015356.
Ataxia-telangiectasia syndrome (AT). Also called: ATAXIA-TELANGIECTASIA, COMPLEMENTATION GROUP A; ATAXIA-TELANGIECTASIA, FRESNO VARIANT; Ataxia-telangiectasia; Ataxia-telangiectasia, complementation group E; LOUIS-BAR SYNDROME; Cerebello-oculocutaneous telangiectasia. Identifiers: Orphanet 100, MedGen C0004135, MONDO:0008840, OMIM 208900.

Submissions (2):

Ambry Genetics
Classification: Uncertain significance for Hereditary cancer-predisposing syndrome. Last evaluated: 2026-07-08. Review status: criteria provided, single submitter. Criteria: Ambry Variant Classification Scheme 2023. Collection method: clinical testing. Allele origin: germline.
Comment: The p.L2211P variant (also known as c.6632T>C), located in coding exon 45 of the ATM gene, results from a T to C substitution at nucleotide position 6632. The leucine at codon 2211 is replaced by proline, an amino acid with similar properties. In an assay testing ATM function, this variant showed a functionally normal result (Lee KS et al. Cell, 2025 Sep;188:5081-5099.e27). This amino acid position is highly conserved in available vertebrate species. In addition, this alteration is predicted to be deleterious by in silico analysis. Based on the available evidence, the clinical significance of this variant remains unclear.

Labcorp Genetics (formerly Invitae), Labcorp
Classification: Uncertain significance for Ataxia-telangiectasia syndrome. Last evaluated: 2022-04-13. Review status: criteria provided, single submitter. Criteria: Invitae Variant Classification Sherloc (09022015). Collection method: clinical testing. Allele origin: germline.
Comment: This variant is not present in population databases (gnomAD no frequency). This sequence change replaces leucine, which is neutral and non-polar, with proline, which is neutral and non-polar, at codon 2211 of the ATM protein (p.Leu2211Pro). This variant has not been reported in the literature in individuals affected with ATM-related conditions. In summary, the available evidence is currently insufficient to determine the role of this variant in disease. Therefore, it has been classified as a Variant of Uncertain Significance. Advanced modeling of protein sequence and biophysical properties (such as structural, functional, and spatial information, amino acid conservation, physicochemical variation, residue mobility, and thermodynamic stability) performed at Invitae indicates that this missense variant is not expected to disrupt ATM protein function.

Literature cited by the submitters: PubMed 40580951 (cited by Ambry Genetics).